The following is an entry in ClinVar:

NM_014585.6(SLC40A1):c.1051A>G (p.Ile351Val)

Gene: SLC40A1 (solute carrier family 40 member 1; minus strand). Cytogenetic location: 2q32.2.
Variant type: single nucleotide variant.
Coding change: c.1051A>G on transcript NM_014585.6 (MANE Select); coding-DNA position 1051, A replaced by G.
Protein change: p.Ile351Val; replaces isoleucine 351 with valine.
Molecular consequence: missense variant.
Genome position (GRCh38, 1-based): chr2:189,563,935, T>C on the plus strand (A>G on the coding strand, the complement: SLC40A1 is on the minus strand). VCF-style: chr2-189563935-T-C. GRCh37 (hg19) VCF-style: chr2-190428661-T-C.
Other names: short protein forms I351V.
Identifiers: ClinVar variation 1403930 (VCV001403930.6), dbSNP rs375669132, ClinGen allele CA2024125.
Genomic context (GRCh38, chr2:189,563,935, plus strand): 5'-GAACCAAACCACATTTTCGACGTAGCCAAGTAAAAGCTACAGTTCCCATTATTCCAGTTA[T>C]AGCTGATGCTCCCATCAAAATACTGAGGATGGAACCACTCAGTCCCTGAGTGTAGGCGTA-3'
Protein context (NP_055400.1, residues 341-361): ILSILMGASA[Ile351Val]TGIMGTVAFT

ClinVar aggregate classification (germline): Uncertain significance. Review status: criteria provided, multiple submitters, no conflicts (2 of 4 stars). 2 submissions from 2 submitters: Uncertain significance (2). Last evaluated 2024-12-10.

Conditions:
Hemochromatosis type 4 (HFE4). Also called: Ferroportin disease; HEMOCHROMATOSIS DUE TO DEFECT IN FERROPORTIN; HEMOCHROMATOSIS, AUTOSOMAL DOMINANT. Identifiers: Orphanet 139491, Orphanet 647834, Orphanet 648562, MedGen C1853733, MONDO:0011631, OMIM 606069.

Allele frequency attached by ClinVar (database versions not stated): gnomAD 0.00007 and 0.00006; ExAC 0.00002; ESP Exome Variant Server 0.00008; gnomAD exomes 0.00002; TOPMed 0.00008.
gnomAD v4.1: 37 of 1,614,052 alleles (0.0023%); highest among the groups gnomAD compares: African/African-American, 0.0093%; no homozygotes.

Submissions (2):

Women's Health and Genetics/Laboratory Corporation of America, LabCorp
Classification: Uncertain significance. Last evaluated: 2024-12-10. Review status: criteria provided, single submitter. Criteria: LabCorp Variant Classification Summary - May 2015. Collection method: clinical testing. Allele origin: germline.
Comment: Variant summary: SLC40A1 c.1051A>G (p.Ile351Val) results in a conservative amino acid change located in the MFS general substrate transporter domain (IPR036259) of the encoded protein sequence. Four of five in-silico tools predict a benign effect of the variant on protein function. The variant allele was found at a frequency of 2e-05 in 250918 control chromosomes. The available data on variant occurrences in the general population are insufficient to allow any conclusion about variant significance. c.1051A>G has been reported in the literature in at least one individual affected with Hemochromatosis Type 4 (Callebaut_2014). These data do not allow any conclusion about variant significance. At least one publication reports experimental evidence evaluating an impact on protein function. These results showed no damaging effect of this variant (Callebaut_2014). Additionally, one publication reports no impact of this variant on splicing (Le Tetre_2021). The following publications have been ascertained in the context of this evaluation (PMID: 24714983, 33341511). ClinVar contains an entry for this variant (Variation ID: 1403930). Based on the evidence outlined above, the variant was classified as uncertain significance.

Labcorp Genetics (formerly Invitae), Labcorp
Classification: Uncertain significance for Hemochromatosis type 4. Last evaluated: 2021-09-17. Review status: criteria provided, single submitter. Criteria: Invitae Variant Classification Sherloc (09022015). Collection method: clinical testing. Allele origin: germline.
Comment: This sequence change replaces isoleucine with valine at codon 351 of the SLC40A1 protein (p.Ile351Val). The isoleucine residue is moderately conserved and there is a small physicochemical difference between isoleucine and valine. This variant is present in population databases (rs375669132, ExAC 0.02%). This variant has been observed in individual(s) with hyperferritinemia (PMID: 24714983). Algorithms developed to predict the effect of missense changes on protein structure and function output the following: SIFT: "Tolerated"; PolyPhen-2: "Benign"; Align-GVGD: "Class C0". The valine amino acid residue is found in multiple mammalian species, which suggests that this missense change does not adversely affect protein function. Algorithms developed to predict the effect of sequence changes on RNA splicing suggest that this variant may create or strengthen a splice site. In summary, the available evidence is currently insufficient to determine the role of this variant in disease. Therefore, it has been classified as a Variant of Uncertain Significance.

Literature cited by the submitters: PubMed 24714983 (cited by Women's Health and Genetics/Laboratory Corporation of America, LabCorp and Labcorp Genetics (formerly Invitae), Labcorp); PubMed 33341511 (cited by Women's Health and Genetics/Laboratory Corporation of America, LabCorp).